The following is an entry in ClinVar:

NM_000179.3(MSH6):c.3647-2_3991del

Gene: MSH6 (mutS homolog 6; plus strand). Cytogenetic location: 2p16.3.
Variant type: Deletion.
Coding change: c.3647-2_3991del on transcript NM_000179.3 (MANE Select); the canonical splice acceptor site of the intron before coding-DNA position 3647 through coding-DNA position 3991, 440 bases deleted.
Molecular consequence: splice acceptor variant, splice donor variant.
Genome position (GRCh38, 1-based): chr2:47,806,202-47,806,641, 440 bases deleted. GRCh37 (hg19): chr2:48,033,341-48,033,780.
Other names: c.2741-2_3085del (NM_001281493.2, NM_001281494.2); c.3257-2_3601del (NM_001281492.2).
Identifiers: ClinVar variation 1049210 (VCV001049210.1), dbSNP rs2104536268, ClinGen allele CA2499216121.

ClinVar aggregate classification (germline): Pathogenic (0 of 4 stars; one submission).

Conditions:
Endometrial carcinoma. Also called: Endometrial carcinoma, somatic. Identifiers: MedGen C0476089, MONDO:0002447, OMIM 608089, HP:0012114.

Submission:

Department of Pathology and Laboratory Medicine, Sinai Health System
Classification: Pathogenic for Endometrial carcinoma. Review status: no assertion criteria provided. Collection method: clinical testing. Allele origin: unknown. Affected: yes. Study: The Canadian Open Genetics Repository (COGR).
Comment: The MSH6 c.3647-?_4083+?del variant (chr:2 g.48033343_48033999del GRCh37) results in a deletion of exons 8, 9 and 10, although the precise breakpoints of this deletion were not determined, nor were the effects of this variant on the resulting mRNA or protein product determined. The MSH6 p.Gly1216_Leu1360delinsAsp variant was not identified in the literature nor was it identified in the dbSNP, ClinVar, UMD-LSDB, Exome Aggregation Consortium (August 8th 2016), or the Genome Aggregation Database (Feb 27, 2017). This variant is a multi-exon in-frame deletion resulting in the removal of a glycine (gly) residue at codon 1216 and insertion of an aspartic acid (asp) residue at codon 1360 at the termination sequence; the impact of this alteration on MSH6 protein function is not known. This alteration is predicted to result in a truncated or absent protein and loss of function. Loss of function variants of the MSH6 gene are an established mechanism of disease in Lynch syndrome and this is the type of variant expected to cause the disorder. In summary, based on the above information this variant meets our laboratoryâ€šÃ„Ã´s criteria to be classified as pathogenic.